The following is an entry in ClinVar:

ClinVar aggregate classification (germline): Uncertain significance (1 of 4 stars; one submission).

Allele frequency attached by ClinVar (database versions not stated): gnomAD exomes below 0.00001; gnomAD 0.00001; TOPMed 0.00003.
gnomAD v4.1: 3 of 1,206,734 alleles (0.00025%); highest among the groups gnomAD compares: African/African-American, 0.0017%; no homozygotes.

Submission:

Women's Health and Genetics/Laboratory Corporation of America, LabCorp
Classification: Uncertain significance. Last evaluated: 2023-07-14. Review status: criteria provided, single submitter. Criteria: LabCorp Variant Classification Summary - May 2015. Collection method: clinical testing. Allele origin: germline.
Comment: Variant summary: FRMPD4 c.3634A>G (p.Ser1212Gly) results in a non-conservative amino acid change in the encoded protein sequence. Three of five in-silico tools predict a benign effect of the variant on protein function. The variant allele was found at a frequency of 5.5e-06 in 183307 control chromosomes. The available data on variant occurrences in the general population are insufficient to allow any conclusion about variant significance. To our knowledge, no occurrence of c.3634A>G in individuals affected with X-Linked Intellectual Disability 104 and no experimental evidence demonstrating its impact on protein function have been reported. No submitters have cited clinical-significance assessments for this variant to ClinVar after 2014. Based on the evidence outlined above, the variant was classified as uncertain significance.

NM_001368397.1(FRMPD4):c.3634A>G (p.Ser1212Gly)

Gene: FRMPD4 (FERM and PDZ domain containing 4; plus strand). Cytogenetic location: Xp22.2.
Variant type: single nucleotide variant.
Coding change: c.3634A>G on transcript NM_001368397.1 (MANE Select); coding-DNA position 3634, A replaced by G.
Protein change: p.Ser1212Gly; replaces serine 1212 with glycine.
Molecular consequence: missense variant.
Genome position (GRCh38, 1-based): chrX:12,718,460, A>G. VCF-style: chrX-12718460-A-G. GRCh37 (hg19) VCF-style: chrX-12736579-A-G.
Other names: c.3745A>G, p.Ser1249Gly (NM_001368395.3, NM_001368398.3); c.3640A>G, p.Ser1214Gly (NM_001368396.3); c.3625A>G, p.Ser1209Gly (NM_001368399.3); c.3514A>G, p.Ser1172Gly (NM_001368400.3); c.3610A>G, p.Ser1204Gly (NM_001368401.1, NM_001368402.3); c.3634A>G, p.Ser1212Gly (NM_014728.3); short protein forms S1172G, S1204G, S1209G, S1212G, S1214G, S1249G.
Identifiers: ClinVar variation 2577107 (VCV002577107.1), dbSNP rs1270095450, ClinGen allele CA412321498.